The following is an entry in ClinVar:

NM_004168.4(SDHA):c.1468G>T (p.Glu490Ter)

Gene: SDHA (succinate dehydrogenase complex flavoprotein subunit A; plus strand). Cytogenetic location: 5p15.33.
Variant type: single nucleotide variant.
Coding change: c.1468G>T on transcript NM_004168.4 (MANE Select); coding-DNA position 1468, G replaced by T.
Protein change: p.Glu490Ter; replaces glutamic acid 490 with a stop codon.
Molecular consequence: nonsense.
Genome position (GRCh38, 1-based): chr5:240,393, G>T. VCF-style: chr5-240393-G-T. GRCh37 (hg19) VCF-style: chr5-240508-G-T.
Other names: c.1468G>T (NM_004168.2); c.1324G>T, p.Glu442Ter (NM_001294332.2); c.1468G>T, p.Glu490Ter (NM_001330758.2); short protein forms E490*, E442*.
Identifiers: ClinVar variation 472288 (VCV000472288.18), dbSNP rs1554000360, ClinGen allele CA359014231.
Genomic context (GRCh38, chr5:240,393, plus strand): 5'-AAATTCTAGCTTTTTTTTGTTTTAGGAGATAAAGTCCCTCCAATTAAACCAAACGCTGGG[G>T]AAGAATCTGTCATGAATCTTGACAAATTGAGATTTGCTGATGGAAGCATAAGAACATCGG-3'

ClinVar aggregate classification (germline): Pathogenic/Likely pathogenic. Review status: criteria provided, multiple submitters, no conflicts (2 of 4 stars). 8 submissions from 8 submitters: Pathogenic (5); Likely pathogenic (3). Last evaluated 2025-09-24.

Conditions:
Pheochromocytoma/paraganglioma syndrome 5. Also called: Paragangliomas 5; SDHA-Related Hereditary Paraganglioma-Pheochromocytoma Syndrome. Identifiers: Orphanet 29072, MedGen C3279992, MONDO:0013602, OMIM 614165.
Dilated cardiomyopathy 1GG (CMD1GG). Identifiers: Orphanet 154, MedGen C3150898, MONDO:0013339, OMIM 613642.
Mitochondrial complex II deficiency, nuclear type 1. Also called: SUCCINATE CoQ REDUCTASE DEFICIENCY. Identifiers: Orphanet 3208, MedGen C5700310, MONDO:0100294, OMIM 252011.
SDHA-related disorder. Also called: SDHA-related disorders; SDHA-related condition.
Hereditary cancer-predisposing syndrome. Also called: Hereditary neoplastic syndrome; Neoplastic Syndromes, Hereditary; Hereditary Cancer Syndrome; Tumor predisposition. Identifiers: Orphanet 140162, MedGen C0027672, MeSH D009386, MONDO:0015356.

Allele frequency attached by ClinVar (database versions not stated): TOPMed below 0.00001.

Submissions (8):

Labcorp Genetics (formerly Invitae), Labcorp
Classification: Pathogenic for Pheochromocytoma/paraganglioma syndrome 5; Mitochondrial complex II deficiency, nuclear type 1. Last evaluated: 2025-09-24. Review status: criteria provided, single submitter. Criteria: Invitae Variant Classification Sherloc (09022015). Collection method: clinical testing. Allele origin: germline.
Comment: This sequence change creates a premature translational stop signal (p.Glu490*) in the SDHA gene. It is expected to result in an absent or disrupted protein product. Loss-of-function variants in SDHA are known to be pathogenic (PMID: 22974104, 24781757). This variant is not present in population databases (gnomAD no frequency). This premature translational stop signal has been observed in individual(s) with gastrointestinal stromal tumors (PMID: 28546994). ClinVar contains an entry for this variant (Variation ID: 472288). For these reasons, this variant has been classified as Pathogenic.

Baylor Genetics
Classification: Pathogenic for Dilated cardiomyopathy 1GG. Last evaluated: 2024-02-23. Review status: criteria provided, single submitter. Criteria: ACMG Guidelines, 2015. Collection method: clinical testing. Allele origin: unknown.

Myriad Genetics, Inc.
Classification: Pathogenic for Pheochromocytoma/paraganglioma syndrome 5. Last evaluated: 2024-02-08. Review status: criteria provided, single submitter. Criteria: Myriad Autosomal Dominant, Autosomal Recessive and X-Linked Classification Criteria (2023). Collection method: clinical testing. Allele origin: unknown.
Comment: This variant is considered pathogenic. This variant creates a termination codon and is predicted to result in premature protein truncation.

Ambry Genetics
Classification: Pathogenic for Hereditary cancer-predisposing syndrome. Last evaluated: 2024-01-17. Review status: criteria provided, single submitter. Criteria: Ambry Variant Classification Scheme 2023. Collection method: clinical testing. Allele origin: germline.
Comment: The p.E490* pathogenic mutation (also known as c.1468G>T), located in coding exon 11 of the SDHA gene, results from a G to T substitution at nucleotide position 1468. This changes the amino acid from a glutamic acid to a stop codon within coding exon 11. This variant is considered to be rare based on population cohorts in the Genome Aggregation Database (gnomAD). In addition to the clinical data presented in the literature, this alteration is expected to result in loss of function by premature protein truncation or nonsense-mediated mRNA decay. As such, this alteration is interpreted as a disease-causing mutation.

GeneDx
Classification: Likely pathogenic. Last evaluated: 2023-01-09. Review status: criteria provided, single submitter. Criteria: GeneDx Variant Classification Process June 2021. Collection method: clinical testing. Allele origin: germline. Affected: yes.
Comment: Nonsense variant predicted to result in protein truncation or nonsense mediated decay in a gene for which loss of function is a known mechanism of disease; Not observed at significant frequency in large population cohorts (gnomAD); Identified in a patient with metastatic gastrointestinal stromal tumor (Casey et al., 2017); This variant is associated with the following publications: (PMID: 24781757, 22974104, 28873162, 28546994, 34308366)

Sema4
Classification: Likely pathogenic for Hereditary cancer-predisposing syndrome. Last evaluated: 2021-06-21. Review status: criteria provided, single submitter. Criteria: Sema4 Curation Guidelines. Collection method: curation. Allele origin: germline.
Comment: The SDHA c.1468G>T (p.E490X) variant has been reported in heterozygosity in at least 1 individual with gastrointestinal stromal tumors (PMID: 28546994). This nonsense variant creates a premature stop codon at residue 490 of the SDHA protein. Loss of function variants in SDHA are known to be pathogenic (PMID: 22974104, 24781757). This variant is not reported in the population database Genome Aggregation Database (PMID: 32461654). This variant has been reported in ClinVar (Variation ID: 472288). Based on the current evidence available, this variant is interpreted as likely pathogenic.

Department of Pediatrics, Memorial Sloan Kettering Cancer Center
Classification: Pathogenic for Pheochromocytoma/paraganglioma syndrome 5. Last evaluated: 2020-12-15. Review status: criteria provided, single submitter. Criteria: ACMG Guidelines, 2015. Collection method: research. Allele origin: germline. Affected: no.

Blueprint Genetics
Classification: Likely pathogenic for SDHA-related disorders. Last evaluated: 2018-09-24. Review status: criteria provided, single submitter. Criteria: ACMG Guidelines, 2015. Collection method: clinical testing. Allele origin: germline. Affected: yes. Observed: 1 variant allele.

Literature cited by the submitters: PubMed 22974104 (cited by Labcorp Genetics (formerly Invitae), Labcorp and Sema4); PubMed 24781757 (cited by Labcorp Genetics (formerly Invitae), Labcorp and Sema4); PubMed 28546994 (cited by 3 submitters); PubMed 28873162 (cited by Department of Pediatrics, Memorial Sloan Kettering Cancer Center).